The following is an entry in ClinVar:

ClinVar aggregate classification (germline): Uncertain significance (1 of 4 stars; one submission).

Conditions:
RASopathy. Also called: rasopathies; Noonan spectrum disorder. Identifiers: Orphanet 536391, MedGen C5555857, MONDO:0021060.

Submission:

Labcorp Genetics (formerly Invitae), Labcorp
Classification: Uncertain significance for RASopathy. Last evaluated: 2023-04-03. Review status: criteria provided, single submitter. Criteria: Invitae Variant Classification Sherloc (09022015). Collection method: clinical testing. Allele origin: germline.
Comment: In summary, the available evidence is currently insufficient to determine the role of this variant in disease. Therefore, it has been classified as a Variant of Uncertain Significance. Advanced modeling of protein sequence and biophysical properties (such as structural, functional, and spatial information, amino acid conservation, physicochemical variation, residue mobility, and thermodynamic stability) performed at Invitae indicates that this missense variant is not expected to disrupt CBL protein function. This variant has not been reported in the literature in individuals affected with CBL-related conditions. This variant is not present in population databases (gnomAD no frequency). This sequence change replaces histidine, which is basic and polar, with glutamine, which is neutral and polar, at codon 38 of the CBL protein (p.His38Gln).

NM_005188.4(CBL):c.114C>G (p.His38Gln)

Genes: CBL (Cbl proto-oncogene; plus strand), LOC130006895 (ATAC-STARR-seq lymphoblastoid silent region 3975; plus strand). Cytogenetic location: 11q23.3.
Variant type: single nucleotide variant.
Coding change: c.114C>G on transcript NM_005188.4 (MANE Select); coding-DNA position 114, C replaced by G.
Protein change: p.His38Gln; replaces histidine 38 with glutamine.
Molecular consequence: missense variant.
Genome position (GRCh38, 1-based): chr11:119,206,531, C>G. VCF-style: chr11-119206531-C-G. GRCh37 (hg19) VCF-style: chr11-119077241-C-G.
Other names: short protein forms H38Q.
Identifiers: ClinVar variation 2851790 (VCV002851790.3), dbSNP rs2496819495, ClinGen allele CA382976250.